The following is an entry in ClinVar:

NM_001101.5(ACTB):c.616C>G (p.Arg206Gly)

Gene: ACTB (actin beta; minus strand). Cytogenetic location: 7p22.1.
Variant type: single nucleotide variant.
Coding change: c.616C>G on transcript NM_001101.5 (MANE Select); coding-DNA position 616, C replaced by G.
Protein change: p.Arg206Gly; replaces arginine 206 with glycine.
Molecular consequence: missense variant.
Genome position (GRCh38, 1-based): chr7:5,528,467, G>C on the plus strand (C>G on the coding strand, the complement: ACTB is on the minus strand). VCF-style: chr7-5528467-G-C. GRCh37 (hg19) VCF-style: chr7-5568098-G-C.
Other names: c.616C>G (LRG_132t1); short protein forms R206G.
Identifiers: ClinVar variation 372914 (VCV000372914.2), dbSNP rs1057518071, ClinGen allele CA16042693.

ClinVar aggregate classification (germline): Likely pathogenic. Review status: criteria provided, multiple submitters, no conflicts (2 of 4 stars). 2 submissions from 2 submitters: Likely pathogenic (2). Last evaluated 2023-06-09.

Conditions:
ACTB-related disorder. Also called: ACTB-related disorders; ACTB-related condition.

Submissions (2):

Blueprint Genetics
Classification: Likely pathogenic for ACTB-related disorders. Last evaluated: 2023-06-09. Review status: criteria provided, single submitter. Criteria: ACMG Guidelines, 2015. Collection method: clinical testing. Allele origin: germline. Affected: yes. Observed: 1 variant allele.

GeneDx
Classification: Likely pathogenic. Last evaluated: 2016-02-29. Review status: criteria provided, single submitter. Criteria: GeneDx Variant Classification (06012015). Collection method: clinical testing. Allele origin: germline. Affected: yes.
Comment: The R206G variant in the ACTB gene gene has not been reported previously as a pathogenic variant, nor as a benign variant, to our knowledge. The R206G variant was not observed in approximately 6500 individuals of European and African American ancestry in the NHLBI Exome Sequencing Project, indicating it is not a common benign variant in these populations. The R206G variant is a non-conservative amino acid substitution, which is likely to impact secondary protein structure as these residues differ in polarity, charge, size and/or other properties. This substitution occurs at a position that is conserved across species and in silico analysis predicts this variant is probably damaging to the protein structure/function. Therefore, we interpret R206G as a likely pathogenic variant